The following is an entry in ClinVar:

ClinVar aggregate classification (germline): Pathogenic (1 of 4 stars; one submission).

Conditions:
Familial adenomatous polyposis 1 (FAP1). Also called: FAMILIAL ADENOMATOUS POLYPOSIS 1, ATTENUATED; POLYPOSIS, ADENOMATOUS INTESTINAL. Identifiers: MedGen C2713442, MONDO:0021056, OMIM 175100. Disease mechanism: loss of function.

Submission:

Myriad Genetics, Inc.
Classification: Pathogenic for Familial adenomatous polyposis 1. Last evaluated: 2023-04-27. Review status: criteria provided, single submitter. Criteria: Myriad Autosomal Dominant, Autosomal Recessive and X-Linked Classification Criteria (2023). Collection method: clinical testing. Allele origin: unknown.
Comment: This variant is considered pathogenic. This variant creates a frameshift predicted to result in premature protein truncation.

NM_000038.6(APC):c.821del (p.Ser274fs)

Gene: APC (APC regulator of Wnt signaling pathway; plus strand). Cytogenetic location: 5q22.2.
Variant type: Deletion.
Coding change: c.821del on transcript NM_000038.6 (MANE Select); coding-DNA position 821, one base deleted (C; older notation c.821delC).
Protein change: p.Ser274fs; shifts the reading frame from serine 274.
Molecular consequence: frameshift variant. On other transcripts: 5 prime UTR variant (4), non-coding transcript variant (2).
Genome position (GRCh38, 1-based): chr5:112,801,370, C deleted. VCF-style (leftmost placement, unchanged base first): chr5-112801369-TC-T. GRCh37 (hg19) VCF-style: chr5-112137066-TC-T.
Other names: c.821del, p.Ser274fs (NM_001127510.3, NM_001354895.2, NM_001354896.2 and 12 more transcripts); c.767del, p.Ser256fs (NM_001127511.3); c.851del, p.Ser284fs (NM_001354897.2, NM_001354902.2, NM_001407446.1); c.746del, p.Ser249fs (NM_001354898.2, NM_001354904.2, NM_001407451.1); c.737del, p.Ser246fs (NM_001354899.2, NM_001407452.1, NM_001407467.1 and 1 more transcripts); c.644del, p.Ser215fs (NM_001354900.2, NM_001354901.2, NM_001354905.2 and 1 more transcripts); c.-215del (NM_001354906.2, NM_001407470.1, NM_001407471.1 and 1 more transcripts); short protein forms S215fs, S246fs, S249fs, S256fs, S274fs, S284fs.
Identifiers: ClinVar variation 2584261 (VCV002584261.2), dbSNP rs2532756449, ClinGen allele CA2582341412.
Genomic context (GRCh38, chr5:112,801,369, plus strand): 5'-TCACATGATGCTGAGCGGCAGAATGAAGGTCAAGGAGTGGGAGAAATCAACATGGCAACT[TC>T]TGGTAATGGTCAGGTAAATAAATTATTTTATCATATTTTTTAAAATTATTTAAATATCAG-3'